The following is an entry in ClinVar:

ClinVar aggregate classification (germline): Uncertain significance (1 of 4 stars; one submission).

Conditions:
Osteogenesis imperfecta type I (OI1). Also called: OI, TYPE I; OSTEOGENESIS IMPERFECTA TARDA; OSTEOGENESIS IMPERFECTA WITH BLUE SCLERAE; Osteogenesis imperfecta type 1; Classic Non-deforming Osteogenesis Imperfecta with Blue Sclerae; Lobstein disease. Identifiers: Orphanet 216796, Orphanet 666, MedGen C0023931, MONDO:0008146, OMIM 166200. Disease mechanism: loss of function.

Submission:

Labcorp Genetics (formerly Invitae), Labcorp
Classification: Uncertain significance for Osteogenesis imperfecta type I. Last evaluated: 2022-10-30. Review status: criteria provided, single submitter. Criteria: Invitae Variant Classification Sherloc (09022015). Collection method: clinical testing. Allele origin: germline.
Comment: This sequence change falls in intron 1 of the COL1A1 gene. It does not directly change the encoded amino acid sequence of the COL1A1 protein. It affects a nucleotide within the consensus splice site. This variant is not present in population databases (gnomAD no frequency). This variant has been observed in individual(s) with clinical features of osteogenesis imperfecta (Invitae). Variants that disrupt the consensus splice site are a relatively common cause of aberrant splicing (PMID: 17576681, 9536098). Algorithms developed to predict the effect of sequence changes on RNA splicing suggest that this variant may disrupt the consensus splice site. In summary, the available evidence is currently insufficient to determine the role of this variant in disease. Therefore, it has been classified as a Variant of Uncertain Significance.

Literature cited by the submitters: PubMed 17576681; PubMed 9536098.

NM_000088.4(COL1A1):c.103+3_103+8del

Gene: COL1A1 (collagen type I alpha 1 chain; minus strand). Cytogenetic location: 17q21.33.
Variant type: Deletion.
Coding change: c.103+3_103+8del on transcript NM_000088.4 (MANE Select); bases 3 to 8 of the intron after coding-DNA position 103, 6 bases deleted (AAGTCC; older notation c.103+3_103+8delAAGTCC).
Molecular consequence: intron variant.
Genome position (GRCh38, 1-based): chr17:50,201,403-50,201,408, GGACTT deleted on the plus strand (AAGTCC on the coding strand, the reverse complement: COL1A1 is on the minus strand). VCF-style (leftmost placement, unchanged base first): chr17-50201402-GGGACTT-G. GRCh37 (hg19) VCF-style: chr17-48278763-GGGACTT-G.
Identifiers: ClinVar variation 2034560 (VCV002034560.4), dbSNP rs2509266390, ClinGen allele CA2580094615.
Genomic context (GRCh38, chr17:50,201,402, plus strand): 5'-GCGGCCCCCGGGACCAAGCGCAAGGCGCGATATAGAGTATCCTTGCACTCCCAAAAGTTT[GGGACTT>G]ACTGTCTTCGTCTTGGCCCTCGACTTGGCCTTCCTCTTGGCCGTGCGTCAGGAGGGCGGT-3'